The following is an entry in ClinVar:

ClinVar aggregate classification (germline): Conflicting classifications of pathogenicity. Review status: criteria provided, conflicting classifications (1 of 4 stars). 2 submissions from 2 submitters: Uncertain significance (1); Likely benign (1). Last evaluated 2026-06-30.

Conditions:
ADGRV1-related disorder. Also called: ADGRV1-related condition; ADGRV1-related disorders.

Allele frequency attached by ClinVar (database versions not stated): TOPMed 0.00001; ExAC 0.00002; gnomAD 0.00003.
gnomAD v4.1: 51 of 1,613,914 alleles (0.0032%); highest among the groups gnomAD compares: Middle Eastern, 0.033%; no homozygotes.

Submissions (2):

PreventionGenetics, part of Exact Sciences
Classification: Uncertain significance for ADGRV1-related condition. Last evaluated: 2026-06-30. Review status: criteria provided, single submitter. Criteria: ACMG Guidelines, 2015. Collection method: clinical testing. Allele origin: germline.
Comment: The ADGRV1 c.16252G>A variant is predicted to result in the amino acid substitution p.Val5418Met. To our knowledge, this variant has not been reported in the literature. This variant is reported in 0.0040% of alleles in individuals of European (Finnish) descent in gnomAD. At this time, the clinical significance of this variant is uncertain due to the absence of conclusive functional and genetic evidence.

Labcorp Genetics (formerly Invitae), Labcorp
Classification: Likely benign. Last evaluated: 2025-04-13. Review status: criteria provided, single submitter. Criteria: Invitae Variant Classification Sherloc (09022015). Collection method: clinical testing. Allele origin: germline.

NM_032119.4(ADGRV1):c.16252G>A (p.Val5418Met)

Gene: ADGRV1 (adhesion G protein-coupled receptor V1; plus strand). Cytogenetic location: 5q14.3.
Variant type: single nucleotide variant.
Coding change: c.16252G>A on transcript NM_032119.4 (MANE Select); coding-DNA position 16252, G replaced by A.
Protein change: p.Val5418Met; replaces valine 5418 with methionine.
Molecular consequence: missense variant. On other transcripts: non-coding transcript variant (1).
Genome position (GRCh38, 1-based): chr5:90,823,480, G>A. VCF-style: chr5-90823480-G-A. GRCh37 (hg19) VCF-style: chr5-90119297-G-A.
Other names: c.16252G>A (NM_032119.3); short protein forms V5418M.
Identifiers: ClinVar variation 1051090 (VCV001051090.8), dbSNP rs776337063, ClinGen allele CA3342099.